The following is an entry in ClinVar:

ClinVar aggregate classification (germline): Likely benign. Review status: criteria provided, single submitter (1 of 4 stars). 2 submissions from 2 submitters: Likely benign (1). 1 of the submissions does not count toward it. Last evaluated 2024-01-28.

Conditions:
DNM1-related disorder. Also called: DNM1-related condition.
Developmental and epileptic encephalopathy, 31A. Also called: Epileptic encephalopathy, early infantile, 31; Developmental and epileptic encephalopathy, 31. Identifiers: Orphanet 2382, MedGen C4225357, MONDO:0014598, OMIM 616346.

Allele frequency attached by ClinVar (database versions not stated): gnomAD exomes 0.00001 and below 0.00001; gnomAD 0.00004 and 0.00003; TOPMed 0.00003.
gnomAD v4.1: 13 of 1,612,860 alleles (0.00081%); highest among the groups gnomAD compares: African/African-American, 0.016%; no homozygotes.

Submissions (2):

Labcorp Genetics (formerly Invitae), Labcorp
Classification: Likely benign for Developmental and epileptic encephalopathy, 31A. Last evaluated: 2024-01-28. Review status: criteria provided, single submitter. Criteria: Invitae Variant Classification Sherloc (09022015). Collection method: clinical testing. Allele origin: germline.

PreventionGenetics, part of Exact Sciences
Classification: Likely benign for DNM1-related condition. Last evaluated: 2021-04-07. Review status: no assertion criteria provided. Collection method: clinical testing. Allele origin: germline. Not counted in ClinVar's aggregate classification.
Comment: This variant is classified as likely benign based on ACMG/AMP sequence variant interpretation guidelines (Richards et al. 2015 PMID: 25741868, with internal and published modifications).

NM_004408.4(DNM1):c.589+10C>T

Genes: DNM1 (dynamin 1; plus strand), LOC113839516 (Sharpr-MPRA regulatory region 8497; plus strand). Cytogenetic location: 9q34.11.
Variant type: single nucleotide variant.
Coding change: c.589+10C>T on transcript NM_004408.4 (MANE Select); 10 bases into the intron after coding-DNA position 589, C replaced by T.
Molecular consequence: intron variant.
Genome position (GRCh38, 1-based): chr9:128,219,262, C>T. VCF-style: chr9-128219262-C-T. GRCh37 (hg19) VCF-style: chr9-130981541-C-T.
Other names: c.589+10C>T (NM_001005336.3, NM_001374269.1, NM_001288738.2 and 2 more transcripts).
Identifiers: ClinVar variation 755812 (VCV000755812.11), dbSNP rs987855255, ClinGen allele CA200347374.